The following is an entry in ClinVar:

ClinVar aggregate classification (germline): Uncertain significance. Review status: criteria provided, multiple submitters, no conflicts (2 of 4 stars). 2 submissions from 2 submitters: Uncertain significance (2). Last evaluated 2025-05-25.

Conditions:
Inborn genetic diseases. Identifiers: MedGen C0950123, MeSH D030342.

Allele frequency attached by ClinVar (database versions not stated): TOPMed 0.00002; gnomAD 0.00004; ExAC 0.00006; gnomAD exomes 0.00009.
gnomAD v4.1: 128 of 1,537,770 alleles (0.0083%); highest among the groups gnomAD compares: East Asian, 0.017%; no homozygotes.

Submissions (2):

Ambry Genetics
Classification: Uncertain significance for Inborn genetic diseases. Last evaluated: 2025-05-25. Review status: criteria provided, single submitter. Criteria: Ambry Variant Classification Scheme 2023. Collection method: clinical testing. Allele origin: germline.

CeGaT Center for Human Genetics Tuebingen
Classification: Uncertain significance. Last evaluated: 2024-03-01. Review status: criteria provided, single submitter. Criteria: CeGaT Center For Human Genetics Tuebingen Variant Classification Criteria Version 2. Collection method: clinical testing. Allele origin: germline. Affected: yes. Observed: 1 variant allele.
Comment: PIEZO1: PM2

NM_001142864.4(PIEZO1):c.4340C>T (p.Ala1447Val)

Gene: PIEZO1 (piezo type mechanosensitive ion channel component 1 (Er blood group); minus strand). Cytogenetic location: 16q24.3.
Variant type: single nucleotide variant.
Coding change: c.4340C>T on transcript NM_001142864.4 (MANE Select); coding-DNA position 4340, C replaced by T.
Protein change: p.Ala1447Val; replaces alanine 1447 with valine.
Molecular consequence: missense variant.
Genome position (GRCh38, 1-based): chr16:88,723,324, G>A on the plus strand (C>T on the coding strand, the complement: PIEZO1 is on the minus strand). VCF-style: chr16-88723324-G-A. GRCh37 (hg19) VCF-style: chr16-88789732-G-A.
Other names: c.2882C>T, p.Ala961Val (NM_014745.1); short protein forms A1447V, A961V.
Identifiers: ClinVar variation 2470259 (VCV002470259.23), dbSNP rs762635458, ClinGen allele CA8232174.